The following is an entry in ClinVar:

NM_000053.4(ATP7B):c.2897T>G (p.Val966Gly)

Gene: ATP7B (ATPase copper transporting beta; minus strand). Cytogenetic location: 13q14.3.
Variant type: single nucleotide variant.
Coding change: c.2897T>G on transcript NM_000053.4 (MANE Select); coding-DNA position 2897, T replaced by G.
Protein change: p.Val966Gly; replaces valine 966 with glycine.
Molecular consequence: missense variant. On other transcripts: intron variant (6).
Genome position (GRCh38, 1-based): chr13:51,946,447, A>C on the plus strand (T>G on the coding strand, the complement: ATP7B is on the minus strand). VCF-style: chr13-51946447-A-C. GRCh37 (hg19) VCF-style: chr13-52520583-A-C.
Other names: c.2801T>G, p.Val934Gly (NM_001406517.1, NM_001406518.1); c.2762T>G, p.Val921Gly (NM_001406519.1); c.2753T>G, p.Val918Gly (NM_001406520.1, NM_001406521.1, NM_001406522.1); c.2897T>G, p.Val966Gly (NM_001406523.1, NM_001406526.1, NM_001406511.1 and 2 more transcripts); c.2720T>G, p.Val907Gly (NM_001406524.1); c.2663T>G, p.Val888Gly (NM_001406527.1, NM_001330578.2, NM_001406528.1 and 1 more transcripts); c.2276T>G, p.Val759Gly (NM_001005918.3); c.2564T>G, p.Val855Gly (NM_001243182.2); and 18 more; short protein forms V536G, V750G, V759G, V772G, V804G, V823G, V850G, V855G.
Identifiers: ClinVar variation 3387581 (VCV003387581.1).

ClinVar aggregate classification (germline): Uncertain significance (1 of 4 stars; one submission).

Conditions:
Wilson disease (WND). Also called: Wilson's disease. Identifiers: Orphanet 905, MedGen C0019202, MONDO:0010200, OMIM 277900. Disease mechanism: loss of function.

Submission:

All of Us Research Program, National Institutes of Health
Classification: Uncertain significance for Wilson disease. Last evaluated: 2024-05-14. Review status: criteria provided, single submitter. Criteria: ACMG Guidelines, 2015. Collection method: clinical testing. Allele origin: germline. Inheritance: Autosomal recessive inheritance. Observed: 1 variant allele, 1 heterozygote.
Comment: This missense variant replaces valine with glycine at codon 966 of the ATP7B protein. Computational prediction is inconclusive regarding the impact of this variant on protein structure and function (internally defined REVEL score threshold 0.5 < inconclusive < 0.7, PMID: 27666373). To our knowledge, functional studies have not been reported for this variant. This variant has not been reported in individuals affected with ATP7B-related disorders in the literature. This variant has been identified in 2/249476 chromosomes in the general population by the Genome Aggregation Database (gnomAD). The available evidence is insufficient to determine the role of this variant in disease conclusively. Therefore, this variant is classified as a Variant of Uncertain Significance.

This study involves interpretation of variants in research participants for the purpose of population health screening. Participant phenotype was not available at the time of variant classification. Additional details can be found in publication PMID: 35346344, PMCID: PMC8962531